The following is an entry in ClinVar:

ClinVar aggregate classification (germline): Uncertain significance (1 of 4 stars; one submission).

Conditions:
Hereditary cancer-predisposing syndrome. Also called: Hereditary Cancer Syndrome; Hereditary neoplastic syndrome; Neoplastic Syndromes, Hereditary; Tumor predisposition. Identifiers: Orphanet 140162, MedGen C0027672, MeSH D009386, MONDO:0015356.

Submission:

Ambry Genetics
Classification: Uncertain significance for Hereditary cancer-predisposing syndrome. Last evaluated: 2020-08-26. Review status: criteria provided, single submitter. Criteria: Ambry Variant Classification Scheme 2023. Collection method: clinical testing. Allele origin: germline.
Comment: The p.M1838V variant (also known as c.5512A>G), located in coding exon 24 of the DICER1 gene, results from an A to G substitution at nucleotide position 5512. The methionine at codon 1838 is replaced by valine, an amino acid with highly similar properties. This amino acid position is highly conserved in available vertebrate species. In addition, this alteration is predicted to be deleterious by in silico analysis. This missense alteration is located in a region that has a low rate of benign missense variation (Lek M et al. Nature. 2016 Aug 18;536(7616):285-91; DECIPHER: Database of Chromosomal Imbalance and Phenotype in Humans using Ensembl Resources. Firth H.V. et al. 2009. Am.J.Hum.Genet. 84, 524-533 (DOI)). Since supporting evidence is limited at this time, the clinical significance of this alteration remains unclear.

NM_177438.3(DICER1):c.5512A>G (p.Met1838Val)

Gene: DICER1 (dicer 1, ribonuclease III; minus strand). Cytogenetic location: 14q32.13.
Variant type: single nucleotide variant.
Coding change: c.5512A>G on transcript NM_177438.3 (MANE Select); coding-DNA position 5512, A replaced by G.
Protein change: p.Met1838Val; replaces methionine 1838 with valine.
Molecular consequence: missense variant. On other transcripts: non-coding transcript variant (6), intron variant (1).
Genome position (GRCh38, 1-based): chr14:95,091,218, T>C on the plus strand (A>G on the coding strand, the complement: DICER1 is on the minus strand). VCF-style: chr14-95091218-T-C. GRCh37 (hg19) VCF-style: chr14-95557555-T-C.
Other names: c.5512A>G, p.Met1838Val (NM_001271282.3, NM_001291628.2, NM_001395677.1 and 8 more transcripts); c.5230A>G, p.Met1744Val (NM_001395686.1); c.5107A>G, p.Met1703Val (NM_001395687.1, NM_001395688.1, NM_001395689.1 and 1 more transcripts); c.4945A>G, p.Met1649Val (NM_001395691.1); c.3829A>G, p.Met1277Val (NM_001395697.1); c.5365-109A>G (NM_001195573.1); short protein forms M1744V, M1838V, M1649V, M1277V, M1703V.
Identifiers: ClinVar variation 1748045 (VCV001748045.2), dbSNP rs2542403781, ClinGen allele CA390864489.